The following is an entry in ClinVar:

NM_152703.5(SAMD9L):c.1521G>C (p.Glu507Asp)

Gene: SAMD9L (sterile alpha motif domain containing 9 like; minus strand). Cytogenetic location: 7q21.2.
Variant type: single nucleotide variant.
Coding change: c.1521G>C on transcript NM_152703.5 (MANE Select); coding-DNA position 1521, G replaced by C.
Protein change: p.Glu507Asp; replaces glutamic acid 507 with aspartic acid.
Molecular consequence: missense variant.
Genome position (GRCh38, 1-based): chr7:93,134,451, C>G on the plus strand (G>C on the coding strand, the complement: SAMD9L is on the minus strand). VCF-style: chr7-93134451-C-G. GRCh37 (hg19) VCF-style: chr7-92763764-C-G.
Other names: c.1521G>C, p.Glu507Asp (NM_001303496.3, NM_001303497.3, NM_001303498.3 and 5 more transcripts); short protein forms E507D.
Identifiers: ClinVar variation 5028914 (VCV005028914.1).

ClinVar aggregate classification (germline): Uncertain significance (1 of 4 stars; one submission).

Conditions:
Inborn genetic diseases. Identifiers: MedGen C0950123, MeSH D030342.

Submission:

Ambry Genetics
Classification: Uncertain significance for Inborn genetic diseases. Last evaluated: 2026-07-26. Review status: criteria provided, single submitter. Criteria: Ambry Variant Classification Scheme 2023. Collection method: clinical testing. Allele origin: germline.
Comment: The p.E507D variant (also known as c.1521G>C), located in coding exon 1 of the SAMD9L gene, results from a G to C substitution at nucleotide position 1521. The glutamic acid at codon 507 is replaced by aspartic acid, an amino acid with highly similar properties. This amino acid position is conserved. In addition, this alteration is predicted to be tolerated by in silico analysis. Based on the available evidence, the clinical significance of this variant remains unclear.